The following is an entry in ClinVar:

ClinVar aggregate classification (germline): Uncertain significance. Review status: criteria provided, multiple submitters, no conflicts (2 of 4 stars). 2 submissions from 2 submitters: Uncertain significance (2). Last evaluated 2025-08-22.

Conditions:
Inborn genetic diseases. Identifiers: MedGen C0950123, MeSH D030342.

Allele frequency attached by ClinVar (database versions not stated): gnomAD exomes below 0.00001; ExAC 0.00001; gnomAD 0.00003; TOPMed 0.00006; ESP Exome Variant Server 0.00008.

Submissions (2):

Ambry Genetics
Classification: Uncertain significance for Inborn genetic diseases. Last evaluated: 2025-08-22. Review status: criteria provided, single submitter. Criteria: Ambry Variant Classification Scheme 2023. Collection method: clinical testing. Allele origin: germline.

Labcorp Genetics (formerly Invitae), Labcorp
Classification: Uncertain significance. Last evaluated: 2025-02-03. Review status: criteria provided, single submitter. Criteria: Invitae Variant Classification Sherloc (09022015). Collection method: clinical testing. Allele origin: germline.
Comment: This sequence change replaces glutamine, which is neutral and polar, with arginine, which is basic and polar, at codon 294 of the GNPTG protein (p.Gln294Arg). This variant is present in population databases (rs375089519, gnomAD 0.01%). This variant has not been reported in the literature in individuals affected with GNPTG-related conditions. ClinVar contains an entry for this variant (Variation ID: 2182925). Invitae Evidence Modeling of protein sequence and biophysical properties (such as structural, functional, and spatial information, amino acid conservation, physicochemical variation, residue mobility, and thermodynamic stability) indicates that this missense variant is not expected to disrupt GNPTG protein function with a negative predictive value of 80%. In summary, the available evidence is currently insufficient to determine the role of this variant in disease. Therefore, it has been classified as a Variant of Uncertain Significance.

NM_032520.5(GNPTG):c.881A>G (p.Gln294Arg)

Gene: GNPTG (N-acetylglucosamine-1-phosphate transferase subunit gamma; plus strand). Cytogenetic location: 16p13.3.
Variant type: single nucleotide variant.
Coding change: c.881A>G on transcript NM_032520.5 (MANE Select); coding-DNA position 881, A replaced by G.
Protein change: p.Gln294Arg; replaces glutamine 294 with arginine.
Molecular consequence: missense variant.
Genome position (GRCh38, 1-based): chr16:1,363,054, A>G. VCF-style: chr16-1363054-A-G. GRCh37 (hg19) VCF-style: chr16-1413055-A-G.
Other names: c.881A>G (NM_032520.4); short protein forms Q294R.
Identifiers: ClinVar variation 2182925 (VCV002182925.3), dbSNP rs375089519, ClinGen allele CA7808018.